The following is an entry in ClinVar:

ClinVar aggregate classification (germline): Benign/Likely benign. Review status: criteria provided, multiple submitters, no conflicts (2 of 4 stars). 3 submissions from 3 submitters: Benign (2); Likely benign (1). Last evaluated 2025-12-24.

Allele frequency attached by ClinVar (database versions not stated): TOPMed 0.00010; gnomAD 0.00012 and 0.00030; 1000 Genomes Project 30x 0.00109; ExAC 0.00119; 1000 Genomes Project 0.00140.

Submissions (3):

Labcorp Genetics (formerly Invitae), Labcorp
Classification: Benign. Last evaluated: 2025-12-24. Review status: criteria provided, single submitter. Criteria: Invitae Variant Classification Sherloc (09022015). Collection method: clinical testing. Allele origin: germline.

CeGaT Center for Human Genetics Tuebingen
Classification: Likely benign. Last evaluated: 2025-08-01. Review status: criteria provided, single submitter. Criteria: CeGaT Center For Human Genetics Tuebingen Variant Classification Criteria Version 2. Collection method: clinical testing. Allele origin: germline. Affected: yes. Observed: 2 variant alleles.
Comment: WDR11: BP4, BP7, BS2

Breakthrough Genomics
Classification: Benign. Review status: criteria provided, single submitter. Criteria: ACMG Guidelines, 2015. Collection method: not provided. Allele origin: germline. Inheritance: Autosomal dominant inheritance. Affected: yes.

NM_018117.12(WDR11):c.789C>A (p.Leu263=)

Gene: WDR11 (WD repeat domain 11; plus strand). Cytogenetic location: 10q26.12.
Variant type: single nucleotide variant.
Coding change: c.789C>A on transcript NM_018117.12 (MANE Select); coding-DNA position 789, C replaced by A.
Protein change: p.Leu263=; no amino-acid change (leucine 263 retained).
Molecular consequence: synonymous variant.
Genome position (GRCh38, 1-based): chr10:120,865,122, C>A. VCF-style: chr10-120865122-C-A. GRCh37 (hg19) VCF-style: chr10-122624634-C-A.
Identifiers: ClinVar variation 702834 (VCV000702834.34), dbSNP rs560536574, ClinGen allele CA5719521.
Genomic context (GRCh38, chr10:120,865,122, plus strand): 5'-TCTCAATGATTGCCTTCAGTTGGCATACCTGCCTTCAAAAAGGAATCACATGTTGTTGCT[C>A]TATCCTCGAGAGATTTTAATCCTTGACCTTGAGGTGAATCAGACGGTGGGTGTGATTGCA-3'
Protein context (NP_060587.8, residues 253-273): LPSKRNHMLL[Leu263=]YPREILILDL